The following is an entry in ClinVar:

NM_001257291.2(SLC9A7):c.1520G>A (p.Arg507His)

Gene: SLC9A7 (solute carrier family 9 member A7; minus strand). Cytogenetic location: Xp11.3.
Variant type: single nucleotide variant.
Coding change: c.1520G>A on transcript NM_001257291.2 (MANE Select); coding-DNA position 1520, G replaced by A.
Protein change: p.Arg507His; replaces arginine 507 with histidine.
Molecular consequence: missense variant.
Genome position (GRCh38, 1-based): chrX:46,643,332, C>T on the plus strand (G>A on the coding strand, the complement: SLC9A7 is on the minus strand). VCF-style: chrX-46643332-C-T. GRCh37 (hg19) VCF-style: chrX-46502767-C-T.
Other names: p.Arg506His; c.1517G>A, p.Arg506His (NM_032591.3); short protein forms R506H, R507H.
Identifiers: ClinVar variation 1300133 (VCV001300133.3), dbSNP rs1231947331, ClinGen allele CA413034961.

ClinVar aggregate classification (germline): Uncertain significance (1 of 4 stars; one submission).

Conditions:
Intellectual developmental disorder, X-linked 108. Also called: MENTAL RETARDATION, X-LINKED 108. Identifiers: MedGen C5193009, MONDO:0026723, OMIM 301024.

Allele frequency attached by ClinVar (database versions not stated): TOPMed 0.00001; gnomAD exomes below 0.00001; gnomAD 0.00001.
gnomAD v4.1: 3 of 1,209,082 alleles (0.00025%); highest among the groups gnomAD compares: South Asian, 0.0018%; no homozygotes.

Submission:

Foundation for Research in Genetics and Endocrinology, FRIGE's Institute of Human Genetics
Classification: Uncertain significance for Intellectual developmental disorder, X-linked 108. Last evaluated: 2021-01-05. Review status: criteria provided, single submitter. Criteria: ACMG Guidelines, 2015. Collection method: research. Allele origin: maternal. Inheritance: X-linked recessive inheritance. Affected: yes. Observed: 1 hemizygote.
Comment: A hemizygous missense variation in exon 12 of the SLC9A7 gene that results in the amino acid substitution of Histidine for Arginine at codon 506 was detected. The observed variant c.1517G>A (p.Arg506His) has not been reported in the 1000 genomes. The in silico prediction of the variant is damaging by LRT. The reference codon is conserved across mammals. In summary, the variant meets our criteria to be classified as a variant of uncertain significance.